The following is an entry in ClinVar:

NM_001999.4(FBN2):c.3196dup (p.Thr1066fs)

Genes: FBN2 (fibrillin 2; minus strand), LOC126807501 (BRD4-independent group 4 enhancer GRCh37_chr5:127680731-127681930; plus strand). Cytogenetic location: 5q23.3.
Variant type: Duplication.
Coding change: c.3196dup on transcript NM_001999.4 (MANE Select); coding-DNA position 3196, one base duplicated (A; older notation c.3196dupA).
Protein change: p.Thr1066fs; shifts the reading frame from threonine 1066.
Molecular consequence: frameshift variant.
Genome position (GRCh38, 1-based): chr5:128,345,378, T duplicated on the plus strand (A on the coding strand, the reverse complement: FBN2 is on the minus strand). VCF-style (leftmost placement, unchanged base first): chr5-128345377-G-GT. GRCh37 (hg19) VCF-style: chr5-127681069-G-GT.
Other names: c.3196dupA (NM_001999.3); short protein forms T1066fs.
Identifiers: ClinVar variation 458752 (VCV000458752.7), dbSNP rs1554123702, ClinGen allele CA658657487.

ClinVar aggregate classification (germline): Uncertain significance (1 of 4 stars; one submission).

Conditions:
Congenital contractural arachnodactyly (CCA). Also called: Beals-Hecht syndrome; BEALS SYNDROME; Arthrogryposis, distal, type 9. Identifiers: Orphanet 115, MedGen C0220668, MONDO:0007363, OMIM 121050.

Submission:

Labcorp Genetics (formerly Invitae), Labcorp
Classification: Uncertain significance for Congenital contractural arachnodactyly. Last evaluated: 2017-03-27. Review status: criteria provided, single submitter. Criteria: Invitae Variant Classification Sherloc (09022015). Collection method: clinical testing. Allele origin: germline.
Comment: This sequence change inserts 1 nucleotide in exon 24 of the FBN2 mRNA (c.3196dupA), causing a frameshift at codon 1066. This creates a premature translational stop signal (p.Thr1066Asnfs*11) and is expected to result in an absent or disrupted protein product. This variant is not present in population databases (ExAC no frequency) and has not been reported in the literature in individuals with a FBN2-related disease. The current clinical and genetic evidence is not sufficient to establish whether loss-of-function variants in FBN2 cause disease. Therefore, this variant has been classified as a Variant of Uncertain Significance.